The following is an entry in ClinVar:

ClinVar aggregate classification (germline): Conflicting classifications of pathogenicity. Review status: criteria provided, conflicting classifications (1 of 4 stars). 4 submissions from 4 submitters: Uncertain significance (3); Likely benign (1). Last evaluated 2025-08-05.

Conditions:
Cardiovascular phenotype. Identifiers: MedGen CN230736.
Alagille syndrome due to a JAG1 point mutation. Also called: HEPATIC DUCTULAR HYPOPLASIA, SYNDROMATIC; Alagille Syndrome 1; JAG1-Related Alagille Syndrome. Identifiers: Orphanet 261619, Orphanet 52, MedGen C1956125, MONDO:0016862, OMIM 118450.
Charcot-Marie-Tooth disease, axonal, Type 2HH. Also called: CHARCOT-MARIE-TOOTH NEUROPATHY, TYPE 2HH. Identifiers: MedGen C5562003, MONDO:0030458, OMIM 619574.
Tetralogy of Fallot (TOF). Identifiers: Orphanet 3303, MedGen C0039685, MONDO:0008542, OMIM 187500, HP:0001636.
Deafness, congenital heart defects, and posterior embryotoxon (DCHE). Identifiers: MedGen C1866053, MONDO:0060713, OMIM 617992.

Allele frequency attached by ClinVar (database versions not stated): gnomAD exomes 0.00001 and 0.00003; gnomAD 0.00002; TOPMed 0.00002.
gnomAD v4.1: 44 of 1,612,446 alleles (0.0027%); highest among the groups gnomAD compares: Non-Finnish European, 0.0034%; no homozygotes.

Submissions (4):

Labcorp Genetics (formerly Invitae), Labcorp
Classification: Uncertain significance for Alagille syndrome due to a JAG1 point mutation. Last evaluated: 2025-08-05. Review status: criteria provided, single submitter. Criteria: Invitae Variant Classification Sherloc (09022015). Collection method: clinical testing. Allele origin: germline.
Comment: This sequence change replaces glycine, which is neutral and non-polar, with serine, which is neutral and polar, at codon 441 of the JAG1 protein (p.Gly441Ser). This variant is present in population databases (no rsID available, gnomAD 0.003%). This variant has not been reported in the literature in individuals affected with JAG1-related conditions. ClinVar contains an entry for this variant (Variation ID: 1044935). Invitae Evidence Modeling of protein sequence and biophysical properties (such as structural, functional, and spatial information, amino acid conservation, physicochemical variation, residue mobility, and thermodynamic stability) has been performed for this missense variant. However, the output from this modeling did not meet the statistical confidence thresholds required to predict the impact of this variant on JAG1 protein function. In summary, the available evidence is currently insufficient to determine the role of this variant in disease. Therefore, it has been classified as a Variant of Uncertain Significance.

Ambry Genetics
Classification: Uncertain significance for Cardiovascular phenotype. Last evaluated: 2025-03-31. Review status: criteria provided, single submitter. Criteria: Ambry Variant Classification Scheme 2023. Collection method: clinical testing. Allele origin: germline.
Comment: The p.G441S variant (also known as c.1321G>A), located in coding exon 10 of the JAG1 gene, results from a G to A substitution at nucleotide position 1321. The glycine at codon 441 is replaced by serine, an amino acid with similar properties. This amino acid position is conserved. In addition, this alteration is predicted to be deleterious by in silico analysis. Since supporting evidence is limited at this time, the clinical significance of this alteration remains unclear.

Fulgent Genetics
Classification: Likely benign for Alagille syndrome due to a JAG1 point mutation; Tetralogy of Fallot; Deafness, congenital heart defects, and posterior embryotoxon; Charcot-Marie-Tooth disease, axonal, Type 2HH. Last evaluated: 2024-03-03. Review status: criteria provided, single submitter. Criteria: ACMG Guidelines, 2015. Collection method: clinical testing. Allele origin: germline.

Revvity Omics, Revvity
Classification: Uncertain significance. Last evaluated: 2019-01-25. Review status: criteria provided, single submitter. Criteria: ACMG Guidelines, 2015. Collection method: clinical testing. Allele origin: germline.

NM_000214.3(JAG1):c.1321G>A (p.Gly441Ser)

Gene: JAG1 (jagged canonical Notch ligand 1; minus strand). Cytogenetic location: 20p12.2.
Variant type: single nucleotide variant.
Coding change: c.1321G>A on transcript NM_000214.3 (MANE Select); coding-DNA position 1321, G replaced by A.
Protein change: p.Gly441Ser; replaces glycine 441 with serine.
Molecular consequence: missense variant.
Genome position (GRCh38, 1-based): chr20:10,649,549, C>T on the plus strand (G>A on the coding strand, the complement: JAG1 is on the minus strand). VCF-style: chr20-10649549-C-T. GRCh37 (hg19) VCF-style: chr20-10630197-C-T.
Other names: short protein forms G441S.
Identifiers: ClinVar variation 1044935 (VCV001044935.14), dbSNP rs1327002160, ClinGen allele CA408238147.